The following is an entry in ClinVar:

ClinVar aggregate classification (germline): Uncertain significance (1 of 4 stars; one submission).

Conditions:
SMARCC1-related disorder. Also called: SMARCC1-related condition.

Allele frequency attached by ClinVar (database versions not stated): gnomAD exomes 0.00002; ExAC 0.00003; gnomAD 0.00005; TOPMed 0.00008.
gnomAD v4.1: 39 of 1,613,414 alleles (0.0024%); highest among the groups gnomAD compares: Middle Eastern, 0.035%; no homozygotes.

Submission:

PreventionGenetics, part of Exact Sciences
Classification: Uncertain significance for SMARCC1-related condition. Last evaluated: 2023-01-23. Review status: criteria provided, single submitter. Criteria: ACMG Guidelines, 2015. Collection method: clinical testing. Allele origin: germline.
Comment: The SMARCC1 c.1603G>A variant is predicted to result in the amino acid substitution p.Val535Ile. To our knowledge, this variant has not been reported in the literature. This variant is reported in 0.0080% of alleles in individuals of African descent in gnomAD. At this time, the clinical significance of this variant is uncertain due to the absence of conclusive functional and genetic evidence.

NM_003074.4(SMARCC1):c.1603G>A (p.Val535Ile)

Gene: SMARCC1 (SWI/SNF related BAF chromatin remodeling complex subunit C1; minus strand). Cytogenetic location: 3p21.31.
Variant type: single nucleotide variant.
Coding change: c.1603G>A on transcript NM_003074.4 (MANE Select); coding-DNA position 1603, G replaced by A.
Protein change: p.Val535Ile; replaces valine 535 with isoleucine.
Molecular consequence: missense variant.
Genome position (GRCh38, 1-based): chr3:47,676,751, C>T on the plus strand (G>A on the coding strand, the complement: SMARCC1 is on the minus strand). VCF-style: chr3-47676751-C-T. GRCh37 (hg19) VCF-style: chr3-47718241-C-T.
Other names: short protein forms V535I.
Identifiers: ClinVar variation 2634699 (VCV002634699.1), dbSNP rs772639741, ClinGen allele CA2369034.